The following is an entry in ClinVar:

ClinVar aggregate classification (germline): Uncertain significance (1 of 4 stars; one submission).

Conditions:
Congenital myasthenic syndrome 8. Also called: MYASTHENIC SYNDROME, CONGENITAL, DUE TO AGRIN DEFICIENCY; Myasthenic syndrome, congenital, 8, with pre- and postsynaptic defects. Identifiers: Orphanet 590, MedGen C3808739, MONDO:0014052, OMIM 615120.

Submission:

Labcorp Genetics (formerly Invitae), Labcorp
Classification: Uncertain significance for Congenital myasthenic syndrome 8. Last evaluated: 2024-08-05. Review status: criteria provided, single submitter. Criteria: Invitae Variant Classification Sherloc (09022015). Collection method: clinical testing. Allele origin: germline.
Comment: This sequence change replaces alanine, which is neutral and non-polar, with threonine, which is neutral and polar, at codon 375 of the AGRN protein (p.Ala375Thr). This variant is not present in population databases (gnomAD no frequency). This variant has not been reported in the literature in individuals affected with AGRN-related conditions. An algorithm developed to predict the effect of missense changes on protein structure and function (PolyPhen-2) suggests that this variant is likely to be disruptive. In summary, the available evidence is currently insufficient to determine the role of this variant in disease. Therefore, it has been classified as a Variant of Uncertain Significance.

NM_198576.4(AGRN):c.1123G>A (p.Ala375Thr)

Gene: AGRN (agrin; plus strand). Cytogenetic location: 1p36.33.
Variant type: single nucleotide variant.
Coding change: c.1123G>A on transcript NM_198576.4 (MANE Select); coding-DNA position 1123, G replaced by A.
Protein change: p.Ala375Thr; replaces alanine 375 with threonine.
Molecular consequence: missense variant.
Genome position (GRCh38, 1-based): chr1:1,041,648, G>A. VCF-style: chr1-1041648-G-A. GRCh37 (hg19) VCF-style: chr1-977028-G-A.
Other names: c.1123G>A, p.Ala375Thr (NM_001305275.2); c.808G>A, p.Ala270Thr (NM_001364727.2); short protein forms A270T, A375T.
Identifiers: ClinVar variation 2894754 (VCV002894754.3), dbSNP rs138031468, ClinGen allele CA337827260.